The following is an entry in ClinVar:

ClinVar aggregate classification (germline): Uncertain significance (1 of 4 stars; one submission).

Allele frequency attached by ClinVar (database versions not stated): gnomAD exomes below 0.00001.
gnomAD v4.1: 1 of 1,614,194 alleles (0.000062%); highest among the groups gnomAD compares: African/African-American, 0.0013%; no homozygotes.

Submission:

GeneDx
Classification: Uncertain significance. Last evaluated: 2022-08-23. Review status: criteria provided, single submitter. Criteria: GeneDx Variant Classification Process June 2021. Collection method: clinical testing. Allele origin: germline. Affected: yes.
Comment: Not observed at significant frequency in large population cohorts (gnomAD); In silico analysis supports that this missense variant has a deleterious effect on protein structure/function; Has not been previously published as pathogenic or benign to our knowledge

NM_002609.4(PDGFRB):c.1427T>G (p.Leu476Arg)

Gene: PDGFRB (platelet derived growth factor receptor beta; minus strand). Cytogenetic location: 5q32.
Variant type: single nucleotide variant.
Coding change: c.1427T>G on transcript NM_002609.4 (MANE Select); coding-DNA position 1427, T replaced by G.
Protein change: p.Leu476Arg; replaces leucine 476 with arginine.
Molecular consequence: missense variant.
Genome position (GRCh38, 1-based): chr5:150,129,909, A>C on the plus strand (T>G on the coding strand, the complement: PDGFRB is on the minus strand). VCF-style: chr5-150129909-A-C. GRCh37 (hg19) VCF-style: chr5-149509472-A-C.
Other names: c.1235T>G, p.Leu412Arg (NM_001355016.2); c.944T>G, p.Leu315Arg (NM_001355017.2); short protein forms L315R, L412R, L476R.
Identifiers: ClinVar variation 2430845 (VCV002430845.1), dbSNP rs1760410841, ClinGen allele CA361715126.